The following is an entry in ClinVar:

ClinVar aggregate classification (germline): Uncertain significance (1 of 4 stars; one submission).

Conditions:
Peters plus syndrome. Also called: KRAUSE-KIVLIN SYNDROME. Identifiers: Orphanet 709, MedGen C0796012, MONDO:0009856, OMIM 261540.

Submission:

Labcorp Genetics (formerly Invitae), Labcorp
Classification: Uncertain significance for Peters plus syndrome. Last evaluated: 2026-01-06. Review status: criteria provided, single submitter. Criteria: Invitae Variant Classification Sherloc (09022015). Collection method: clinical testing. Allele origin: germline.
Comment: This sequence change falls in intron 10 of the B3GLCT gene. It does not directly change the encoded amino acid sequence of the B3GLCT protein. It affects a nucleotide within the consensus splice site. This variant is present in population databases (rs773628795, gnomAD 0.01%). This variant has not been reported in the literature in individuals affected with B3GLCT-related conditions. Variants that disrupt the consensus splice site are a relatively common cause of aberrant splicing (PMID: 17576681, 9536098). Algorithms developed to predict the effect of sequence changes on RNA splicing suggest that this variant may disrupt the consensus splice site. In summary, the available evidence is currently insufficient to determine the role of this variant in disease. Therefore, it has been classified as a Variant of Uncertain Significance.

Literature cited by the submitters: PubMed 17576681; PubMed 9536098.

NM_194318.4(B3GLCT):c.851-3del

Gene: B3GLCT (beta 3-glucosyltransferase; plus strand). Cytogenetic location: 13q12.3.
Variant type: Deletion.
Coding change: c.851-3del on transcript NM_194318.4 (MANE Select); 3 bases into the intron before coding-DNA position 851, one base deleted (C; older notation c.851-3delC).
Molecular consequence: intron variant.
Genome position (GRCh38, 1-based): chr13:31,284,645, C deleted. VCF-style (leftmost placement, unchanged base first): chr13-31284644-TC-T. GRCh37 (hg19) VCF-style: chr13-31858781-TC-T.
Identifiers: ClinVar variation 4799606 (VCV004799606.1).